The following is an entry in ClinVar:

ClinVar aggregate classification (germline): Benign. Review status: criteria provided, multiple submitters, no conflicts (2 of 4 stars). 5 submissions from 4 submitters: Benign (4). 1 of the submissions does not count toward it. Last evaluated 2026-02-03.

Submissions (5):

Labcorp Genetics (formerly Invitae), Labcorp
Classification: Benign. Last evaluated: 2026-02-03. Review status: criteria provided, single submitter. Criteria: Invitae Variant Classification Sherloc (09022015). Collection method: clinical testing. Allele origin: germline.

Blueprint Genetics
Classification: Benign. Last evaluated: 2024-11-26. Review status: criteria provided, single submitter. Criteria: ACMG Guidelines, 2015. Collection method: clinical testing. Allele origin: germline.

Mayo Clinic Laboratories, Mayo Clinic
Classification: Benign. Last evaluated: 2022-10-27. Review status: criteria provided, single submitter. Criteria: ACMG Guidelines, 2015. Collection method: clinical testing. Allele origin: germline. Observed: 130 variant alleles.

GeneDx
Classification: Benign. Last evaluated: 2018-06-08. Review status: criteria provided, single submitter. Criteria: GeneDx Variant Classification Process June 2021. Collection method: clinical testing. Allele origin: germline. Affected: yes.

GeneDx
Classification: Benign. Last evaluated: 2015-03-03. Review status: flagged submission. Criteria: GeneDx Variant Classification Process June 2021. Collection method: clinical testing. Allele origin: germline. Affected: yes. Not counted in ClinVar's aggregate classification.
ClinVar note: Reason: This record appears to be redundant with a more recent record from the same submitter.
ClinVar note: Notes: SCV001889061 appears to be redundant with SCV000251568.

NM_032380.5(GFM2):c.1820TTGAGT[1] (p.Phe609_Glu610del)

Gene: GFM2 (GTP dependent ribosome recycling factor mitochondrial 2; minus strand). Cytogenetic location: 5q13.3.
Variant type: Microsatellite.
Coding change: c.1820TTGAGT[1] on transcript NM_032380.5 (MANE Select); one copy of the 6-base unit TTGAGT starting at c.1820; the reference has two copies in a row; one copy, 6 bases deleted; also written c.1826_1831del.
Protein change: p.Phe609_Glu610del.
Molecular consequence: inframe deletion. On other transcripts: non-coding transcript variant (1).
Genome position (GRCh38, 1-based): chr5:74,726,022-74,726,027, ACTCAA deleted on the plus strand (TTGAGT on the coding strand, the reverse complement: GFM2 is on the minus strand); deleting any 6 consecutive bases within chr5:74,726,022-74,726,033 gives the same sequence; the position shown is the placement nearest the transcript's 3' end. VCF-style (leftmost placement, unchanged base first): chr5-74726021-TACTCAA-T. GRCh37 (hg19) VCF-style: chr5-74021846-TACTCAA-T.
Other names: p.Phe609_Glu610del; c.1826_1831delTTGAGT (NM_032380.3); c.1826_1831del (NM_032380.4, NM_032380.5); c.1916TTGAGT[1], p.Phe641_Glu642del (NM_001281302.2); c.1679TTGAGT[1], p.Phe562_Glu563del (NM_170691.3).
Identifiers: ClinVar variation 214504 (VCV000214504.19), dbSNP rs5868753, ClinGen allele CA323565.